The following is an entry in ClinVar:

ClinVar aggregate classification (germline): Uncertain significance (1 of 4 stars; one submission).

Submission:

GeneDx
Classification: Uncertain significance. Last evaluated: 2026-03-20. Review status: criteria provided, single submitter. Criteria: GeneDx Variant Classification Process June 2021. Collection method: clinical testing. Allele origin: germline.
Comment: Not observed at significant frequency in large population cohorts (gnomAD); In silico analysis suggests that this missense variant does not alter protein structure/function; Has not been previously published as pathogenic or benign to our knowledge

NM_002900.3(RBP3):c.2966T>G (p.Leu989Arg)

Gene: RBP3 (retinol binding protein 3; plus strand). Cytogenetic location: 10q11.22.
Variant type: single nucleotide variant.
Coding change: c.2966T>G on transcript NM_002900.3 (MANE Select); coding-DNA position 2966, T replaced by G.
Protein change: p.Leu989Arg; replaces leucine 989 with arginine.
Molecular consequence: missense variant.
Genome position (GRCh38, 1-based): chr10:47,351,450, T>G. VCF-style: chr10-47351450-T-G. GRCh37 (hg19) VCF-style: chr10-48387912-A-C.
Other names: short protein forms L989R.
Identifiers: ClinVar variation 4975998 (VCV004975998.1).